The following is an entry in ClinVar:

ClinVar aggregate classification (germline): Uncertain significance (1 of 4 stars; one submission).

Conditions:
Congenital contractural arachnodactyly (CCA). Also called: BEALS SYNDROME; Beals-Hecht syndrome; Arthrogryposis, distal, type 9. Identifiers: Orphanet 115, MedGen C0220668, MONDO:0007363, OMIM 121050.

Submission:

Labcorp Genetics (formerly Invitae), Labcorp
Classification: Uncertain significance for Congenital contractural arachnodactyly. Last evaluated: 2023-01-20. Review status: criteria provided, single submitter. Criteria: Invitae Variant Classification Sherloc (09022015). Collection method: clinical testing. Allele origin: germline.
Comment: This variant has not been reported in the literature in individuals affected with FBN2-related conditions. This sequence change replaces asparagine, which is neutral and polar, with lysine, which is basic and polar, at codon 2542 of the FBN2 protein (p.Asn2542Lys). This variant is not present in population databases (gnomAD no frequency). Advanced modeling of protein sequence and biophysical properties (such as structural, functional, and spatial information, amino acid conservation, physicochemical variation, residue mobility, and thermodynamic stability) performed at Invitae indicates that this missense variant is expected to disrupt FBN2 protein function. In summary, the available evidence is currently insufficient to determine the role of this variant in disease. Therefore, it has been classified as a Variant of Uncertain Significance.

NM_001999.4(FBN2):c.7626C>G (p.Asn2542Lys)

Gene: FBN2 (fibrillin 2; minus strand). Cytogenetic location: 5q23.3.
Variant type: single nucleotide variant.
Coding change: c.7626C>G on transcript NM_001999.4 (MANE Select); coding-DNA position 7626, C replaced by G.
Protein change: p.Asn2542Lys; replaces asparagine 2542 with lysine.
Molecular consequence: missense variant.
Genome position (GRCh38, 1-based): chr5:128,274,652, G>C on the plus strand (C>G on the coding strand, the complement: FBN2 is on the minus strand). VCF-style: chr5-128274652-G-C. GRCh37 (hg19) VCF-style: chr5-127610344-G-C.
Other names: short protein forms N2542K.
Identifiers: ClinVar variation 2830453 (VCV002830453.3), dbSNP rs914339978, ClinGen allele CA360753429.